The following is an entry in ClinVar:

ClinVar aggregate classification (germline): Uncertain significance (1 of 4 stars; one submission).

Submission:

Women's Health and Genetics/Laboratory Corporation of America, LabCorp
Classification: Uncertain significance. Last evaluated: 2026-06-22. Review status: criteria provided, single submitter. Criteria: LabCorp Variant Classification Summary - May 2015. Collection method: clinical testing. Allele origin: germline.
Comment: Variant summary: TTN c.54408T>G (p.His18136Gln) results in a non-conservative amino acid change in the encoded protein sequence. Algorithms developed to predict the effect of missense changes on protein structure and function are either unavailable or do not agree on the potential impact of this missense change. The variant was absent in 247648 control chromosomes. The available data on variant occurrences in the general population are insufficient to allow any conclusion about variant significance. To our knowledge, no occurrence of c.54408T>G in individuals affected with TTN-related conditions and no experimental evidence demonstrating its impact on protein function have been reported. No submitters have cited clinical-significance assessments for this variant to ClinVar. Based on the evidence outlined above, the variant was classified as uncertain significance.

NM_001267550.2(TTN):c.62112T>G (p.His20704Gln)

Genes: TTN (titin; minus strand), TTN-AS1 (TTN antisense RNA 1; plus strand). Cytogenetic location: 2q31.2.
Variant type: single nucleotide variant.
Coding change: c.62112T>G on transcript NM_001267550.2 (MANE Select); coding-DNA position 62112, T replaced by G.
Protein change: p.His20704Gln; replaces histidine 20704 with glutamine.
Molecular consequence: missense variant.
Genome position (GRCh38, 1-based): chr2:178,589,613, A>C on the plus strand (T>G on the coding strand, the complement: TTN is on the minus strand). VCF-style: chr2-178589613-A-C. GRCh37 (hg19) VCF-style: chr2-179454340-A-C.
Other names: c.57189T>G, p.His19063Gln (NM_001256850.1); c.34917T>G, p.His11639Gln (NM_003319.4); c.54408T>G, p.His18136Gln (NM_133378.4); c.35292T>G, p.His11764Gln (NM_133432.3); c.35493T>G, p.His11831Gln (NM_133437.4); short protein forms H11639Q, H11764Q, H11831Q, H18136Q, H19063Q, H20704Q.
Identifiers: ClinVar variation 4887753 (VCV004887753.1).
Genomic context (GRCh38, chr2:178,589,613, plus strand): 5'-TTTAATGCTTCCTTTATGCACTCTTTCCCAGTCATCGGAGCCCTTAAGCCTTCTCTCAAC[A>C]TGATATGACAGATTTGGACTGCCACCATCATAGTCAGGCCTCCGCCACTTTAGATAGACA-3'
Protein context (NP_001254479.2, residues 20694-20714): YDGGSPNLSY[His20704Gln]VERRLKGSDD